The following is an entry in ClinVar:

ClinVar aggregate classification (germline): Likely pathogenic (1 of 4 stars; one submission).

Conditions:
Mitochondrial hypertrophic cardiomyopathy with lactic acidosis due to MTO1 deficiency. Also called: CARDIOMYOPATHY, INFANTILE HYPERTROPHIC MITOCHONDRIAL, AND LACTIC ACIDOSIS; Combined oxidative phosphorylation deficiency 10. Identifiers: Orphanet 314637, MedGen C4749921, MONDO:0013865, OMIM 614702.

Submission:

Centre for Mendelian Genomics, University Medical Centre Ljubljana
Classification: Likely pathogenic for Mitochondrial hypertrophic cardiomyopathy with lactic acidosis due to MTO1 deficiency. Last evaluated: 2019-08-20. Review status: criteria provided, single submitter. Criteria: ACMG Guidelines, 2015. Collection method: clinical testing. Allele origin: unknown. Affected: yes.
Comment: This variant was classified as: Likely pathogenic. The following ACMG criteria were applied in classifying this variant: PVS1,PM2.

NM_012123.4(MTO1):c.153_174del (p.Thr53fs)

Gene: MTO1 (mitochondrial tRNA translation optimization 1; plus strand). Cytogenetic location: 6q13.
Variant type: Deletion.
Coding change: c.153_174del on transcript NM_012123.4 (MANE Select); coding-DNA positions 153 to 174, 22 bases deleted (AGCCACCGCCGCCGCTCGGTGC).
Protein change: p.Thr53fs; shifts the reading frame from threonine 53.
Molecular consequence: frameshift variant.
Genome position (GRCh38, 1-based): chr6:73,462,007-73,462,028, AGCCACCGCCGCCGCTCGGTGC deleted; deleting any 22 consecutive bases within chr6:73,462,005-73,462,028 gives the same sequence; the c. name uses the placement nearest the transcript's 3' end. VCF-style (leftmost placement, unchanged base first): chr6-73462004-GGCAGCCACCGCCGCCGCTCGGT-G. GRCh37 (hg19) VCF-style: chr6-74171727-GGCAGCCACCGCCGCCGCTCGGT-G.
Other names: c.153_174del, p.Thr53fs (NM_001123226.2, NM_133645.3); short protein forms T53fs.
Identifiers: ClinVar variation 931370 (VCV000931370.3), dbSNP rs1770832882, ClinGen allele CA1139659668.